The following is an entry in ClinVar:

ClinVar aggregate classification (germline): Uncertain significance (1 of 4 stars; one submission).

Conditions:
Catecholaminergic polymorphic ventricular tachycardia 1. Also called: VENTRICULAR TACHYCARDIA, STRESS-INDUCED POLYMORPHIC 1; VENTRICULAR TACHYCARDIA, CATECHOLAMINERGIC POLYMORPHIC, 1, WITH OR WITHOUT ATRIAL DYSFUNCTION AND/OR DILATED CARDIOMYOPATHY; RYR2-Related Catecholaminergic Polymorphic Ventricular Tachycardia. Identifiers: Orphanet 3286, MedGen C1631597, MONDO:0011484, OMIM 604772.

gnomAD v4.1: 1 of 1,564,414 alleles (0.000064%); highest among the groups gnomAD compares: Non-Finnish European, 0.000087%; no homozygotes.

Submission:

Labcorp Genetics (formerly Invitae), Labcorp
Classification: Uncertain significance for Catecholaminergic polymorphic ventricular tachycardia 1. Last evaluated: 2024-08-06. Review status: criteria provided, single submitter. Criteria: Invitae Variant Classification Sherloc (09022015). Collection method: clinical testing. Allele origin: germline.
Comment: This sequence change creates a premature translational stop signal (p.Arg111*) in the RYR2 gene. It is expected to result in an absent or disrupted protein product. However, the current clinical and genetic evidence is not sufficient to establish whether loss-of-function variants in RYR2 cause disease. This variant is not present in population databases (gnomAD no frequency). This variant has not been reported in the literature in individuals affected with RYR2-related conditions. In summary, the available evidence is currently insufficient to determine the role of this variant in disease. Therefore, it has been classified as a Variant of Uncertain Significance.

NM_001035.3(RYR2):c.331C>T (p.Arg111Ter)

Gene: RYR2 (ryanodine receptor 2; plus strand). Cytogenetic location: 1q43.
Variant type: single nucleotide variant.
Coding change: c.331C>T on transcript NM_001035.3 (MANE Select); coding-DNA position 331, C replaced by T.
Protein change: p.Arg111Ter; replaces arginine 111 with a stop codon.
Molecular consequence: nonsense.
Genome position (GRCh38, 1-based): chr1:237,369,555, C>T. VCF-style: chr1-237369555-C-T. GRCh37 (hg19) VCF-style: chr1-237532855-C-T.
Other names: short protein forms R111*.
Identifiers: ClinVar variation 3720288 (VCV003720288.2).